The following is an entry in ClinVar:

ClinVar aggregate classification (germline): Uncertain significance (1 of 4 stars; one submission).

Submission:

Labcorp Genetics (formerly Invitae), Labcorp
Classification: Uncertain significance. Last evaluated: 2024-10-29. Review status: criteria provided, single submitter. Criteria: Invitae Variant Classification Sherloc (09022015). Collection method: clinical testing. Allele origin: germline.
Comment: This sequence change replaces valine, which is neutral and non-polar, with glutamic acid, which is acidic and polar, at codon 225 of the TRIM8 protein (p.Val225Glu). This variant is not present in population databases (gnomAD no frequency). This variant has not been reported in the literature in individuals affected with TRIM8-related conditions. An algorithm developed to predict the effect of missense changes on protein structure and function (PolyPhen-2) suggests that this variant is likely to be tolerated. In summary, the available evidence is currently insufficient to determine the role of this variant in disease. Therefore, it has been classified as a Variant of Uncertain Significance.

NM_030912.3(TRIM8):c.674T>A (p.Val225Glu)

Gene: TRIM8 (tripartite motif containing 8; plus strand). Cytogenetic location: 10q24.32.
Variant type: single nucleotide variant.
Coding change: c.674T>A on transcript NM_030912.3 (MANE Select); coding-DNA position 674, T replaced by A.
Protein change: p.Val225Glu; replaces valine 225 with glutamic acid.
Molecular consequence: missense variant. On other transcripts: non-coding transcript variant (1).
Genome position (GRCh38, 1-based): chr10:102,655,087, T>A. VCF-style: chr10-102655087-T-A. GRCh37 (hg19) VCF-style: chr10-104414844-T-A.
Other names: c.578T>A, p.Val193Glu (NM_001345950.1); short protein forms V193E, V225E.
Identifiers: ClinVar variation 2696131 (VCV002696131.3), dbSNP rs2492908984, ClinGen allele CA377928797.